The following is an entry in ClinVar:

ClinVar aggregate classification (germline): Conflicting classifications of pathogenicity. Review status: criteria provided, conflicting classifications (1 of 4 stars). 5 submissions from 5 submitters: Uncertain significance (4); Benign (1). Last evaluated 2026-04-21.

Conditions:
RAD51C-related disorder. Also called: RAD51C-related condition; RAD51C-related disorders.
Hereditary cancer-predisposing syndrome. Also called: Neoplastic Syndromes, Hereditary; Hereditary Cancer Syndrome; Tumor predisposition; Hereditary neoplastic syndrome. Identifiers: Orphanet 140162, MedGen C0027672, MeSH D009386, MONDO:0015356.
Fanconi anemia complementation group O. Also called: RAD51C-Related Fanconi Anemia. Identifiers: Orphanet 84, MedGen C3150653, MONDO:0013248, OMIM 613390.

Allele frequency attached by ClinVar (database versions not stated): TOPMed 0.00001; ExAC 0.00002.
gnomAD v4.1: 7 of 1,614,202 alleles (0.00043%); highest among the groups gnomAD compares: Non-Finnish European, 0.00042%; no homozygotes.

Submissions (5):

PreventionGenetics, part of Exact Sciences
Classification: Uncertain significance for RAD51C-related condition. Last evaluated: 2026-04-21. Review status: criteria provided, single submitter. Criteria: ACMG Guidelines, 2015. Collection method: clinical testing. Allele origin: germline.
Comment: The RAD51C c.190A>T variant is predicted to result in the amino acid substitution p.Ile64Phe. To our knowledge, this variant has not been reported in the literature. This variant is reported in 0.00088% of alleles in individuals of European (Non-Finnish) descent in gnomAD and has conflicting classifications in ClinVar ranging from variant of uncertain significance to benign (Variation ID: 482168). At this time, the clinical significance of this variant is uncertain due to the absence of conclusive functional and genetic evidence.

Labcorp Genetics (formerly Invitae), Labcorp
Classification: Uncertain significance for Fanconi anemia complementation group O. Last evaluated: 2025-11-07. Review status: criteria provided, single submitter. Criteria: Invitae Variant Classification Sherloc (09022015). Collection method: clinical testing. Allele origin: germline.
Comment: This sequence change replaces isoleucine, which is neutral and non-polar, with phenylalanine, which is neutral and non-polar, at codon 64 of the RAD51C protein (p.Ile64Phe). This variant is present in population databases (rs770335248, gnomAD 0.0009%). This variant has not been reported in the literature in individuals affected with RAD51C-related conditions. ClinVar contains an entry for this variant (Variation ID: 482168). Invitae Evidence Modeling of protein sequence and biophysical properties (such as structural, functional, and spatial information, amino acid conservation, physicochemical variation, residue mobility, and thermodynamic stability) indicates that this missense variant is not expected to disrupt RAD51C protein function with a negative predictive value of 80%. In summary, the available evidence is currently insufficient to determine the role of this variant in disease. Therefore, it has been classified as a Variant of Uncertain Significance.

Color Diagnostics, LLC DBA Color Health
Classification: Uncertain significance for Hereditary cancer-predisposing syndrome. Last evaluated: 2025-10-28. Review status: criteria provided, single submitter. Criteria: ACMG Guidelines, 2015. Collection method: clinical testing. Allele origin: germline.
Comment: This missense variant replaces isoleucine with phenylalanine at codon 64 of the RAD51C protein. Computational prediction suggests that this variant may not impact protein structure and function. To our knowledge, functional studies have not been reported for this variant. This variant has not been reported in individuals affected with hereditary cancer in the literature. This variant has been identified in 1/251426 chromosomes in the general population by the Genome Aggregation Database (gnomAD). The available evidence is insufficient to determine the role of this variant in disease conclusively. Therefore, this variant is classified as a Variant of Uncertain Significance.

Ambry Genetics
Classification: Benign for Hereditary cancer-predisposing syndrome. Last evaluated: 2025-10-17. Review status: criteria provided, single submitter. Criteria: Ambry Variant Classification Scheme 2023. Collection method: clinical testing. Allele origin: germline.

GeneDx
Classification: Uncertain significance. Last evaluated: 2021-11-15. Review status: criteria provided, single submitter. Criteria: GeneDx Variant Classification Process June 2021. Collection method: clinical testing. Allele origin: germline. Affected: yes.
Comment: Not observed at significant frequency in large population cohorts (Lek et al., 2016); In silico analysis supports that this missense variant has a deleterious effect on protein structure/function; Has not been previously published as pathogenic or benign to our knowledge

NM_058216.3(RAD51C):c.190A>T (p.Ile64Phe)

Gene: RAD51C (RAD51 paralog C; plus strand). Cytogenetic location: 17q22.
Variant type: single nucleotide variant.
Coding change: c.190A>T on transcript NM_058216.3 (MANE Select); coding-DNA position 190, A replaced by T.
Protein change: p.Ile64Phe; replaces isoleucine 64 with phenylalanine.
Molecular consequence: missense variant. On other transcripts: non-coding transcript variant (2).
Genome position (GRCh38, 1-based): chr17:58,694,975, A>T. VCF-style: chr17-58694975-A-T. GRCh37 (hg19) VCF-style: chr17-56772336-A-T.
Other names: c.190A>T, p.Ile64Phe (NM_002876.4); short protein forms I64F.
Identifiers: ClinVar variation 482168 (VCV000482168.26), dbSNP rs770335248, ClinGen allele CA8677183.